The following is an entry in ClinVar:

ClinVar aggregate classification (germline): Uncertain significance. Review status: criteria provided, multiple submitters, no conflicts (2 of 4 stars). 2 submissions from 2 submitters: Uncertain significance (2). Last evaluated 2024-09-25.

Conditions:
Hereditary cancer-predisposing syndrome. Also called: Hereditary Cancer Syndrome; Tumor predisposition; Hereditary neoplastic syndrome; Neoplastic Syndromes, Hereditary. Identifiers: Orphanet 140162, MedGen C0027672, MeSH D009386, MONDO:0015356.
Familial cancer of breast. Also called: BREAST CANCER, FAMILIAL; Hereditary breast cancer; hereditary breast carcinoma. Identifiers: Orphanet 227535, MedGen C0346153, MONDO:0016419, OMIM 114480. Disease mechanism: loss of function.

Allele frequency attached by ClinVar (database versions not stated): ExAC 0.00001.

Submissions (2):

Ambry Genetics
Classification: Uncertain significance for Hereditary cancer-predisposing syndrome. Last evaluated: 2024-09-25. Review status: criteria provided, single submitter. Criteria: Ambry Variant Classification Scheme 2023. Collection method: clinical testing. Allele origin: germline.
Comment: The c.1461+5G>C intronic variant results from a G to C substitution 5 nucleotides after coding exon 12 in the CHEK2 gene. This nucleotide position is highly conserved in available vertebrate species. In silico splice site analysis predicts that this alteration will weaken the native splice donor site. Based on the available evidence, the clinical significance of this variant remains unclear.

Labcorp Genetics (formerly Invitae), Labcorp
Classification: Uncertain significance for Familial cancer of breast. Last evaluated: 2022-05-18. Review status: criteria provided, single submitter. Criteria: Invitae Variant Classification Sherloc (09022015). Collection method: clinical testing. Allele origin: germline.
Comment: In summary, the available evidence is currently insufficient to determine the role of this variant in disease. Therefore, it has been classified as a Variant of Uncertain Significance. Variants that disrupt the consensus splice site are a relatively common cause of aberrant splicing (PMID: 17576681, 9536098). Algorithms developed to predict the effect of sequence changes on RNA splicing suggest that this variant may disrupt the consensus splice site. ClinVar contains an entry for this variant (Variation ID: 1053704). This variant has not been reported in the literature in individuals affected with CHEK2-related conditions. This variant is present in population databases (rs769841229, gnomAD 0.003%). This sequence change falls in intron 13 of the CHEK2 gene. It does not directly change the encoded amino acid sequence of the CHEK2 protein. It affects a nucleotide within the consensus splice site.

Literature cited by the submitters: PubMed 17576681 (cited by Labcorp Genetics (formerly Invitae), Labcorp); PubMed 9536098 (cited by Labcorp Genetics (formerly Invitae), Labcorp).

NM_007194.4(CHEK2):c.1461+5G>C

Gene: CHEK2 (checkpoint kinase 2; minus strand). Cytogenetic location: 22q12.1.
Variant type: single nucleotide variant.
Coding change: c.1461+5G>C on transcript NM_007194.4 (MANE Select); 5 bases into the intron after coding-DNA position 1461, G replaced by C.
Molecular consequence: intron variant.
Genome position (GRCh38, 1-based): chr22:28,694,027, C>G on the plus strand (G>C on the coding strand, the complement: CHEK2 is on the minus strand). VCF-style: chr22-28694027-C-G. GRCh37 (hg19) VCF-style: chr22-29090015-C-G.
Other names: c.798+5G>C (NM_001437942.1, NM_001257387.3); c.1260+5G>C (NM_001349956.3); c.1374+5G>C (NM_145862.3); c.1467+5G>C (NM_001438295.1); c.1554+5G>C (NM_001438293.1); c.1503+5G>C (NM_001438294.1); c.1590+5G>C (NM_001005735.3).
Identifiers: ClinVar variation 1053704 (VCV001053704.10), dbSNP rs769841229, ClinGen allele CA10167652.
Genomic context (GRCh38, chr22:28,694,027, plus strand): 5'-TCATGTCTCTCAGGCAGCAGGGCTTCCCATGTATTTTATGCTAGCAGGCACTGTCCCACA[C>G]CCACCTGAAGCCACGGGTGTCTTAAGGCTTCTTCTGTCGTAAAACGTGCCTTTGGATCCA-3'